The following is an entry in ClinVar:

ClinVar aggregate classification (germline): Uncertain significance. Review status: criteria provided, multiple submitters, no conflicts (2 of 4 stars). 2 submissions from 2 submitters: Uncertain significance (2). Last evaluated 2026-06-08.

Conditions:
IRF6-related condition. Also called: IRF6-Related Disorders; IRF6-related disorder. Identifiers: MedGen CN378148, MONDO:1040010.

Allele frequency attached by ClinVar (database versions not stated): ESP Exome Variant Server 0.00008.
gnomAD v4.1: 15 of 1,614,102 alleles (0.00093%); highest among the groups gnomAD compares: Admixed American, 0.012%; no homozygotes.

Submissions (2):

PreventionGenetics, part of Exact Sciences
Classification: Uncertain significance for IRF6-related condition. Last evaluated: 2026-06-08. Review status: criteria provided, single submitter. Criteria: ACMG Guidelines, 2015. Collection method: clinical testing. Allele origin: germline.
Comment: The IRF6 c.632A>C variant is predicted to result in the amino acid substitution p.Tyr211Ser. To our knowledge, this variant has not been reported in the literature. This variant is reported in 0.014% of alleles in individuals of Latino descent in gnomAD, which may be too common to be a primary cause of disease. Although we suspect that this variant may be benign, at this time, the clinical significance of this variant is uncertain due to the absence of conclusive functional and genetic evidence.

Women's Health and Genetics/Laboratory Corporation of America, LabCorp
Classification: Uncertain significance. Last evaluated: 2022-07-28. Review status: criteria provided, single submitter. Criteria: LabCorp Variant Classification Summary - May 2015. Collection method: clinical testing. Allele origin: germline.
Comment: Variant summary: IRF6 c.632A>C (p.Tyr211Ser) results in a non-conservative amino acid change in the encoded protein sequence. Three of five in-silico tools predict a benign effect of the variant on protein function. The variant allele was found at a frequency of 2.8e-05 in 251486 control chromosomes (gnomAD). The available data on variant occurrences in the general population are insufficient to allow any conclusion about variant significance. To our knowledge, no occurrence of c.632A>C in individuals affected with Van Der Woude Syndrome 1 and no experimental evidence demonstrating its impact on protein function have been reported. No clinical diagnostic laboratories have submitted clinical-significance assessments for this variant to ClinVar after 2014. Based on the evidence outlined above, the variant was classified as uncertain significance.

NM_006147.4(IRF6):c.632A>C (p.Tyr211Ser)

Gene: IRF6 (interferon regulatory factor 6; minus strand). Cytogenetic location: 1q32.2.
Variant type: single nucleotide variant.
Coding change: c.632A>C on transcript NM_006147.4 (MANE Select); coding-DNA position 632, A replaced by C.
Protein change: p.Tyr211Ser; replaces tyrosine 211 with serine.
Molecular consequence: missense variant.
Genome position (GRCh38, 1-based): chr1:209,792,304, T>G on the plus strand (A>C on the coding strand, the complement: IRF6 is on the minus strand). VCF-style: chr1-209792304-T-G. GRCh37 (hg19) VCF-style: chr1-209965649-T-G.
Other names: c.347A>C, p.Tyr116Ser (NM_001206696.2); short protein forms Y211S, Y116S.
Identifiers: ClinVar variation 1704551 (VCV001704551.2), dbSNP rs369802663, ClinGen allele CA1377279.